The following is an entry in ClinVar:

NC_000001.10:g.(?_147230270)_(147231346_?)dup

Gene: GJA5 (gap junction protein alpha 5; minus strand). Cytogenetic location: 1q21.2.
Variant type: Duplication.
Identifiers: ClinVar variation 1429500 (VCV001429500.5).

ClinVar aggregate classification (germline): Uncertain significance (1 of 4 stars; one submission).

Conditions:
Atrial standstill 1 (ATRST1). Also called: ATRIAL CARDIOMYOPATHY WITH HEART BLOCK; CARDIOMYOPATHY, FAMILIAL, WITH CONDUCTION DISTURBANCE; Atrial standstill, digenic (GJA5/SCN5A). Identifiers: Orphanet 1344, MedGen C4551959, MONDO:0007171, OMIM 108770.
Atrial fibrillation, familial, 11 (ATFB11). Identifiers: MedGen C3279693, MONDO:0013544, OMIM 614049.

Submission:

Labcorp Genetics (formerly Invitae), Labcorp
Classification: Uncertain significance for Atrial fibrillation, familial, 11; Atrial standstill 1. Last evaluated: 2024-01-22. Review status: criteria provided, single submitter. Criteria: Invitae Variant Classification Sherloc (09022015). Collection method: clinical testing. Allele origin: germline.
Comment: A copy number gain of the genomic region encompassing the full coding sequence of the GJA5 gene has been identified. The boundaries of this event are unknown as they extend beyond the assayed region for this gene and therefore may encompass additional genes. As the precise location of this event is unknown, it may be in tandem or it may be located elsewhere in the genome. Isolated whole-gene duplications of GJA5 have not been reported in the literature. However, larger copy number events that include this gene have been reported (PMID: 21921585, 22199024, 22912587, 25205790, 27930557). In summary, the available evidence is currently insufficient to determine the role of this variant in disease. Therefore, it has been classified as a Variant of Uncertain Significance.

Literature cited by the submitters: PubMed 21921585; PubMed 22199024; PubMed 22912587; PubMed 25205790; PubMed 27930557.